The following is an entry in ClinVar:

NM_000814.6(GABRB3):c.824G>C (p.Arg275Thr)

Gene: GABRB3 (gamma-aminobutyric acid type A receptor subunit beta3; minus strand). Cytogenetic location: 15q12.
Variant type: single nucleotide variant.
Coding change: c.824G>C on transcript NM_000814.6 (MANE Select); coding-DNA position 824, G replaced by C.
Protein change: p.Arg275Thr; replaces arginine 275 with threonine.
Molecular consequence: missense variant.
Genome position (GRCh38, 1-based): chr15:26,567,592, C>G on the plus strand (G>C on the coding strand, the complement: GABRB3 is on the minus strand). VCF-style: chr15-26567592-C-G. GRCh37 (hg19) VCF-style: chr15-26812739-C-G.
Other names: c.569G>C, p.Arg190Thr (NM_001191320.2, NM_001278631.2); c.611G>C, p.Arg204Thr (NM_001191321.3); c.824G>C, p.Arg275Thr (NM_021912.5); short protein forms R190T, R204T, R275T.
Identifiers: ClinVar variation 3901218 (VCV003901218.2).
Genomic context (GRCh38, chr15:26,567,592, plus strand): 5'-AATGATACGGTTACTTTACATTTAAATATCACTTAAAAATAGCACATACCGAGGGCAACT[C>G]TAGCAGCAGATGCATCATAATTGATCCAGAAGGACACCCACGACAGAATCGTTATCAGTA-3'
Protein context (NP_000805.1, residues 265-285): FWINYDASAA[Arg275Thr]VALGITTVLT

ClinVar aggregate classification (germline): Conflicting classifications of pathogenicity. Review status: criteria provided, conflicting classifications (1 of 4 stars). 2 submissions from 2 submitters: Likely pathogenic (1); Uncertain significance (1). Last evaluated 2025-10-04.

Conditions:
Developmental and epileptic encephalopathy, 43 (DEE43). Also called: Epileptic encephalopathy, early infantile, 43. Identifiers: MedGen C4310712, MONDO:0014921, OMIM 617113.
Epilepsy, childhood absence, susceptibility to, 5. Identifiers: Orphanet 64280, MedGen C2677087, MONDO:0012843, OMIM 612269.
Epilepsy, childhood absence, susceptibility to, 1. Also called: Epilepsy, childhood absence 1. Identifiers: Orphanet 64280, MedGen C1838604, MONDO:0020759, OMIM 600131.

Submissions (2):

Labcorp Genetics (formerly Invitae), Labcorp
Classification: Uncertain significance for Epilepsy, childhood absence, susceptibility to, 5; Epilepsy, childhood absence, susceptibility to, 1. Last evaluated: 2025-10-04. Review status: criteria provided, single submitter. Criteria: Invitae Variant Classification Sherloc (09022015). Collection method: clinical testing. Allele origin: germline.
Comment: This sequence change replaces arginine, which is basic and polar, with threonine, which is neutral and polar, at codon 275 of the GABRB3 protein (p.Arg275Thr). This variant is not present in population databases (gnomAD no frequency). This variant has not been reported in the literature in individuals affected with GABRB3-related conditions. ClinVar contains an entry for this variant (Variation ID: 3901218). Invitae Evidence Modeling of protein sequence and biophysical properties (such as structural, functional, and spatial information, amino acid conservation, physicochemical variation, residue mobility, and thermodynamic stability) indicates that this missense variant is expected to disrupt GABRB3 protein function with a positive predictive value of 95%. In summary, the available evidence is currently insufficient to determine the role of this variant in disease. Therefore, it has been classified as a Variant of Uncertain Significance.

Institute of Human Genetics, University of Leipzig Medical Center
Classification: Likely pathogenic for Developmental and epileptic encephalopathy, 43. Last evaluated: 2025-04-09. Review status: criteria provided, single submitter. Criteria: ACMG Guidelines, 2015. Collection method: clinical testing. Allele origin: de novo. Inheritance: Autosomal dominant inheritance. Affected: yes.
Comment: Criteria applied: PS2_MOD,PM1,PM2,PP2,PP3